The following is an entry in ClinVar:

ClinVar aggregate classification (germline): Uncertain significance (1 of 4 stars; one submission).

Conditions:
Dilated cardiomyopathy 1M (CMD1M). Identifiers: Orphanet 154, MedGen C1843808, MONDO:0011840, OMIM 607482.
Hypertrophic cardiomyopathy 12. Identifiers: MedGen C2677491, MONDO:0012804, OMIM 612124.

gnomAD v4.1: 2 of 1,610,310 alleles (0.00012%); highest among the groups gnomAD compares: Non-Finnish European, 0.000085%; no homozygotes.

Submission:

Labcorp Genetics (formerly Invitae), Labcorp
Classification: Uncertain significance for Hypertrophic cardiomyopathy 12; Dilated cardiomyopathy 1M. Last evaluated: 2025-12-02. Review status: criteria provided, single submitter. Criteria: Invitae Variant Classification Sherloc (09022015). Collection method: clinical testing. Allele origin: germline.
Comment: This sequence change falls in intron 3 of the CSRP3 gene. It does not directly change the encoded amino acid sequence of the CSRP3 protein. It affects a nucleotide within the consensus splice site. This variant is not present in population databases (gnomAD no frequency). This variant has not been reported in the literature in individuals affected with CSRP3-related conditions. Variants that disrupt the consensus splice site are a relatively common cause of aberrant splicing (PMID: 17576681, 9536098). Algorithms developed to predict the effect of sequence changes on RNA splicing suggest that this variant is not likely to affect RNA splicing. In summary, the available evidence is currently insufficient to determine the role of this variant in disease. Therefore, it has been classified as a Variant of Uncertain Significance.

Literature cited by the submitters: PubMed 17576681; PubMed 9536098.

NM_003476.5(CSRP3):c.112+3G>A

Gene: CSRP3 (cysteine and glycine rich protein 3; minus strand). Cytogenetic location: 11p15.1.
Variant type: single nucleotide variant.
Coding change: c.112+3G>A on transcript NM_003476.5 (MANE Select); 3 bases into the intron after coding-DNA position 112, G replaced by A.
Molecular consequence: intron variant.
Genome position (GRCh38, 1-based): chr11:19,192,334, C>T on the plus strand (G>A on the coding strand, the complement: CSRP3 is on the minus strand). VCF-style: chr11-19192334-C-T. GRCh37 (hg19) VCF-style: chr11-19213881-C-T.
Other names: c.112+3G>A (NM_001369404.1).
Identifiers: ClinVar variation 4791156 (VCV004791156.1).